The following is an entry in ClinVar:

NC_000002.12:g.(?_181536662)_(181657117_?)del

Genes: CERKL (ceramide kinase like; minus strand), ITGA4 (integrin subunit alpha 4; plus strand). Cytogenetic location: 2q31.3.
Variant type: Deletion.
Identifiers: ClinVar variation 831134 (VCV000831134.1).

ClinVar aggregate classification (germline): Pathogenic (1 of 4 stars; one submission).

Submission:

Labcorp Genetics (formerly Invitae), Labcorp
Classification: Pathogenic. Last evaluated: 2019-04-15. Review status: criteria provided, single submitter. Criteria: Invitae Variant Classification Sherloc (09022015). Collection method: clinical testing. Allele origin: germline.
Comment: A gross deletion of the genomic region encompassing the full coding sequence of the CERKL gene has been identified. The boundaries of this event are unknown as the deletion extends beyond the assayed region for this gene and therefore may encompass additional genes. This variant has not been reported in the literature in individuals with CERKL-related conditions. Loss-of-function variants in CERKL are known to be pathogenic (PMID: 14681825, 24043777). For these reasons, this variant has been classified as Pathogenic.